The following is an entry in ClinVar:

NM_144777.3(SCEL):c.1552G>A (p.Val518Ile)

Gene: SCEL (sciellin; plus strand). Cytogenetic location: 13q22.3.
Variant type: single nucleotide variant.
Coding change: c.1552G>A on transcript NM_144777.3 (MANE Select); coding-DNA position 1552, G replaced by A.
Protein change: p.Val518Ile; replaces valine 518 with isoleucine.
Molecular consequence: missense variant.
Genome position (GRCh38, 1-based): chr13:77,617,843, G>A. VCF-style: chr13-77617843-G-A. GRCh37 (hg19) VCF-style: chr13-78191978-G-A.
Other names: c.1426G>A, p.Val476Ile (NM_001160706.2); c.1492G>A, p.Val498Ile (NM_003843.4); short protein forms V518I, V476I, V498I.
Identifiers: ClinVar variation 4828384 (VCV004828384.1).

ClinVar aggregate classification (germline): Uncertain significance (1 of 4 stars; one submission).

gnomAD v4.1: 60 of 1,611,166 alleles (0.0037%); highest among the groups gnomAD compares: Middle Eastern, 0.049%; no homozygotes.

Submission:

Ambry Genetics
Classification: Uncertain significance. Last evaluated: 2026-01-09. Review status: criteria provided, single submitter. Criteria: Ambry Variant Classification Scheme 2023. Collection method: clinical testing. Allele origin: germline.
Comment: The c.1552G>A (p.V518I) alteration is located in exon 26 (coding exon 25) of the SCEL gene. This alteration results from a G to A substitution at nucleotide position 1552, causing the valine (V) at amino acid position 518 to be replaced by an isoleucine (I). Based on data from gnomAD, the A allele has an overall frequency of 0.003% (8/249914) total alleles studied. The highest observed frequency was 0.007% (8/113246) of European (non-Finnish) alleles. Based on insufficient or conflicting evidence, the clinical significance of this alteration remains unclear.